The following is an entry in ClinVar:

ClinVar aggregate classification (germline): Pathogenic (1 of 4 stars; one submission).

Conditions:
Cohen syndrome (COH1). Also called: PEPPER SYNDROME; Cutis verticis gyrata, retinitis pigmentosa, and sensorineural deafness. Identifiers: Orphanet 193, MedGen C0265223, MONDO:0008999, OMIM 216550.

Submission:

Labcorp Genetics (formerly Invitae), Labcorp
Classification: Pathogenic for Cohen syndrome. Last evaluated: 2022-10-14. Review status: criteria provided, single submitter. Criteria: Invitae Variant Classification Sherloc (09022015). Collection method: clinical testing. Allele origin: germline.
Comment: For these reasons, this variant has been classified as Pathogenic. This variant has not been reported in the literature in individuals affected with VPS13B-related conditions. This variant is not present in population databases (gnomAD no frequency). This sequence change creates a premature translational stop signal (p.Leu2163Serfs*16) in the VPS13B gene. It is expected to result in an absent or disrupted protein product. Loss-of-function variants in VPS13B are known to be pathogenic (PMID: 15141358, 16648375, 20461111).

Literature cited by the submitters: PubMed 15141358; PubMed 16648375; PubMed 20461111.

NM_152564.5(VPS13B):c.6412del (p.Leu2138fs)

Gene: VPS13B (vacuolar protein sorting 13 homolog B; plus strand). Cytogenetic location: 8q22.2.
Variant type: Deletion.
Coding change: c.6412del on transcript NM_152564.5 (MANE Select); coding-DNA position 6412, one base deleted (C; older notation c.6412delC).
Protein change: p.Leu2138fs; shifts the reading frame from leucine 2138.
Molecular consequence: frameshift variant.
Genome position (GRCh38, 1-based): chr8:99,699,890, C deleted; the last of 2 consecutive C bases (chr8:99,699,889-99,699,890); deleting either gives the same sequence. VCF-style (leftmost placement, unchanged base first): chr8-99699888-AC-A. GRCh37 (hg19) VCF-style: chr8-100712116-AC-A.
Other names: c.6487del, p.Leu2163fs (NM_017890.5); short protein forms L2138fs, L2163fs.
Identifiers: ClinVar variation 2035546 (VCV002035546.4), dbSNP rs2491484950, ClinGen allele CA2580079171.